The following is an entry in ClinVar:

NM_013254.4(TBK1):c.2150_2153delinsGGA (p.Leu717fs)

Gene: TBK1 (TANK binding kinase 1; plus strand). Cytogenetic location: 12q14.2.
Variant type: Indel.
Coding change: c.2150_2153delinsGGA on transcript NM_013254.4 (MANE Select); coding-DNA positions 2150 to 2153, TAAC replaced by GGA.
Protein change: p.Leu717fs; shifts the reading frame from leucine 717.
Molecular consequence: frameshift variant.
Genome position (GRCh38, 1-based): chr12:64,501,341-64,501,344, TAAC replaced by GGA. VCF-style: chr12-64501341-TAAC-GGA. GRCh37 (hg19) VCF-style: chr12-64895121-TAAC-GGA.
Other names: short protein forms L717fs.
Identifiers: ClinVar variation 1318847 (VCV001318847.2), dbSNP rs2136092225, ClinGen allele CA2573053750.
Genomic context (GRCh38, chr12:64,501,341, plus strand): 5'-TAAATGCAACTTTTGAGATTACCTTTTTTTCTTTGTGTGTGTGTTTTAGGTTTGGCTCTT[TAAC>GGA]CATGGATGGTGGCCTTCGCAACGTTGACTGTCTTTAGCTTTCTAATAGAAGTTTAAGAAA-3'

ClinVar aggregate classification (germline): Uncertain significance (1 of 4 stars; one submission).

Submission:

GeneDx
Classification: Uncertain significance. Last evaluated: 2019-08-12. Review status: criteria provided, single submitter. Criteria: GeneDx Variant Classification Process June 2021. Collection method: clinical testing. Allele origin: germline. Affected: yes.
Comment: Not observed in large population cohorts (Lek et al., 2016); Frameshift variant predicted to cause a protein extension as the last 13 amino acids are replaced with 19 incorrect amino acids; In silico analysis, which includes protein predictors and evolutionary conservation, supports a deleterious effect; Has not been previously published as pathogenic or benign to our knowledge